The following is an entry in ClinVar:

ClinVar aggregate classification (germline): Uncertain significance (1 of 4 stars; one submission).

gnomAD v4.1: 3 of 1,537,116 alleles (0.0002%); highest among the groups gnomAD compares: Non-Finnish European, 0.00026%; no homozygotes.

Submission:

Ambry Genetics
Classification: Uncertain significance. Last evaluated: 2025-06-21. Review status: criteria provided, single submitter. Criteria: Ambry Variant Classification Scheme 2023. Collection method: clinical testing. Allele origin: germline.
Comment: The p.P1606S variant (also known as c.4816C>T), located in coding exon 19 of the WNK2 gene, results from a C to T substitution at nucleotide position 4816. The proline at codon 1606 is replaced by serine, an amino acid with similar properties. This amino acid position is conserved. In addition, this alteration is predicted to be tolerated by in silico analysis. Based on the available evidence, the clinical significance of this variant remains unclear.

NM_006648.4(WNK2):c.4816C>T (p.Pro1606Ser)

Gene: WNK2 (WNK lysine deficient protein kinase 2; plus strand). Cytogenetic location: 9q22.31.
Variant type: single nucleotide variant.
Coding change: c.4816C>T on transcript NM_006648.4 (MANE Select); coding-DNA position 4816, C replaced by T.
Protein change: p.Pro1606Ser; replaces proline 1606 with serine.
Molecular consequence: missense variant.
Genome position (GRCh38, 1-based): chr9:93,289,570, C>T. VCF-style: chr9-93289570-C-T. GRCh37 (hg19) VCF-style: chr9-96051852-C-T.
Other names: c.4927C>T, p.Pro1643Ser (NM_001282394.3); short protein forms P1643S, P1606S.
Identifiers: ClinVar variation 4201534 (VCV004201534.1).
Genomic context (GRCh38, chr9:93,289,570, plus strand): 5'-GAGCCCCTGAGAGGGGACCAGCCCCGCTCAGAGGTCTGCGGGGGGGACCTGGCCCTGCCC[C>T]CAGTGCCTAAGGAGGCGGTCTCAGGGCGTGTCCAGCTGCCCCAGCCCTTGGTGAGTAGCT-3'
Protein context (NP_006639.3, residues 1596-1616): EVCGGDLALP[Pro1606Ser]VPKEAVSGRV